The following is an entry in ClinVar:

ClinVar aggregate classification (germline): Uncertain significance. Review status: criteria provided, multiple submitters, no conflicts (2 of 4 stars). 2 submissions from 2 submitters: Uncertain significance (2). Last evaluated 2024-11-06.

Conditions:
Pyogenic arthritis-pyoderma gangrenosum-acne syndrome (PAPA). Also called: FAMILIAL RECURRENT ARTHRITIS; PAPA SYNDROME. Identifiers: Orphanet 69126, MedGen C1858361, MONDO:0011462, OMIM 604416.
Inborn genetic diseases. Identifiers: MedGen C0950123, MeSH D030342.

Allele frequency attached by ClinVar (database versions not stated): gnomAD exomes below 0.00001 and 0.00001; TOPMed 0.00001; ExAC 0.00002.
gnomAD v4.1: 6 of 1,613,482 alleles (0.00037%); highest among the groups gnomAD compares: Admixed American, 0.0033%; no homozygotes.

Submissions (2):

Labcorp Genetics (formerly Invitae), Labcorp
Classification: Uncertain significance for Pyogenic arthritis-pyoderma gangrenosum-acne syndrome. Last evaluated: 2024-11-06. Review status: criteria provided, single submitter. Criteria: Invitae Variant Classification Sherloc (09022015). Collection method: clinical testing. Allele origin: germline.
Comment: This sequence change replaces alanine, which is neutral and non-polar, with valine, which is neutral and non-polar, at codon 10 of the PSTPIP1 protein (p.Ala10Val). This variant is present in population databases (rs775041579, gnomAD 0.003%). This variant has not been reported in the literature in individuals affected with PSTPIP1-related conditions. ClinVar contains an entry for this variant (Variation ID: 836122). An algorithm developed to predict the effect of missense changes on protein structure and function (PolyPhen-2) suggests that this variant is likely to be tolerated. In summary, the available evidence is currently insufficient to determine the role of this variant in disease. Therefore, it has been classified as a Variant of Uncertain Significance.

Ambry Genetics
Classification: Uncertain significance for Inborn genetic diseases. Last evaluated: 2023-12-08. Review status: criteria provided, single submitter. Criteria: Ambry Variant Classification Scheme 2023. Collection method: clinical testing. Allele origin: germline.

NM_003978.5(PSTPIP1):c.29C>T (p.Ala10Val)

Gene: PSTPIP1 (proline-serine-threonine phosphatase interacting protein 1; plus strand). Cytogenetic location: 15q24.3.
Variant type: single nucleotide variant.
Coding change: c.29C>T on transcript NM_003978.5 (MANE Select); coding-DNA position 29, C replaced by T.
Protein change: p.Ala10Val; replaces alanine 10 with valine.
Molecular consequence: missense variant. On other transcripts: 5 prime UTR variant (1), non-coding transcript variant (1).
Genome position (GRCh38, 1-based): chr15:76,995,602, C>T. VCF-style: chr15-76995602-C-T. GRCh37 (hg19) VCF-style: chr15-77287943-C-T.
Other names: c.29C>T, p.Ala10Val (NM_001321135.2); c.-218C>T (NM_001321136.2); c.224C>T, p.Ala75Val (NM_001321137.1); short protein forms A10V, A75V.
Identifiers: ClinVar variation 836122 (VCV000836122.7), dbSNP rs775041579, ClinGen allele CA7675646.